The following is an entry in ClinVar:

ClinVar aggregate classification (germline): Pathogenic (1 of 4 stars; one submission).

Conditions:
Deficiency of malonyl-CoA decarboxylase. Also called: Malonic aciduria; MCD deficiency. Identifiers: Orphanet 943, MedGen C0342793, MONDO:0009556, OMIM 248360.

Submission:

Labcorp Genetics (formerly Invitae), Labcorp
Classification: Pathogenic for Deficiency of malonyl-CoA decarboxylase. Last evaluated: 2019-09-20. Review status: criteria provided, single submitter. Criteria: Invitae Variant Classification Sherloc (09022015). Collection method: clinical testing. Allele origin: germline.
Comment: For these reasons, this variant has been classified as Pathogenic. Loss-of-function variants in MLYCD are known to be pathogenic (PMID: 12955715, 17186413). This variant has not been reported in the literature in individuals with MLYCD-related conditions. The frequency data for this variant in the population databases is considered unreliable, as metrics indicate insufficient coverage at this position in the ExAC database. This sequence change creates a premature translational stop signal (p.Val48Alafs*159) in the MLYCD gene. It is expected to result in an absent or disrupted protein product.

Literature cited by the submitters: PubMed 12955715; PubMed 17186413.

NM_012213.3(MLYCD):c.141_142del (p.Val48fs)

Genes: MLYCD (malonyl-CoA decarboxylase; plus strand), LOC130059554 (ATAC-STARR-seq lymphoblastoid silent region 7769; plus strand). Cytogenetic location: 16q23.3.
Variant type: Deletion.
Coding change: c.141_142del on transcript NM_012213.3 (MANE Select); coding-DNA positions 141 to 142, 2 bases deleted (GG; older notation c.141_142delGG).
Protein change: p.Val48fs; shifts the reading frame from valine 48.
Molecular consequence: frameshift variant.
Genome position (GRCh38, 1-based): chr16:83,899,285-83,899,286, GG deleted. VCF-style (leftmost placement, unchanged base first): chr16-83899284-CGG-C. GRCh37 (hg19) VCF-style: chr16-83932889-CGG-C.
Other names: short protein forms V48fs.
Identifiers: ClinVar variation 938044 (VCV000938044.8), dbSNP rs1906687546, ClinGen allele CA1139664844.